The following is an entry in ClinVar:

NM_001379200.1(TBX1):c.312dup (p.Ala105fs)

Gene: TBX1 (T-box transcription factor 1; plus strand). Cytogenetic location: 22q11.21.
Variant type: Duplication.
Coding change: c.312dup on transcript NM_001379200.1 (MANE Select); coding-DNA position 312, one base duplicated (C; older notation c.312dupC).
Protein change: p.Ala105fs; shifts the reading frame from alanine 105.
Molecular consequence: frameshift variant.
Genome position (GRCh38, 1-based): chr22:19,761,155, C duplicated; the last of 2 consecutive C bases (chr22:19,761,154-19,761,155); duplicating either gives the same sequence. VCF-style (leftmost placement, unchanged base first): chr22-19761153-G-GC. GRCh37 (hg19) VCF-style: chr22-19748676-G-GC.
Other names: c.285dup, p.Ala96fs (NM_005992.1, NM_080646.2, NM_080647.1); short protein forms A105fs, A96fs.
Identifiers: ClinVar variation 4880664 (VCV004880664.2).

ClinVar aggregate classification (germline): Likely pathogenic (1 of 4 stars; one submission).

Conditions:
DiGeorge syndrome. Also called: THIRD AND FOURTH PHARYNGEAL POUCH SYNDROME; Catch22. Identifiers: Orphanet 567, MedGen C0012236, MONDO:0008564, OMIM 188400.

Submission:

Dasa
Classification: Likely pathogenic for DiGeorge syndrome. Last evaluated: 2025-03-05. Review status: criteria provided, single submitter. Criteria: DASA Assertion Criteria. Collection method: clinical testing. Allele origin: germline.
Comment: NM_001379200.1(TBX1):c.312dup (p.Ala105Argfs*73) is a frameshift variant in TBX1 predicted to alter the reading frame and introduce a premature termination codon and is predicted to result in an absent or altered protein product. Loss of function is an established disease mechanism for TBX1-associated disorders. Also, this variant is absent from population databases. Based on the currently available evidence, this variant is classified as likely pathogenic.